The following is an entry in ClinVar:

ClinVar aggregate classification (germline): Conflicting classifications of pathogenicity. Review status: criteria provided, conflicting classifications (1 of 4 stars). 4 submissions from 4 submitters: Uncertain significance (2); Benign (1); Likely benign (1). Last evaluated 2026-01-20.

Conditions:
Tuberous sclerosis 2 (TSC2). Identifiers: Orphanet 805, MedGen C1860707, MONDO:0013199, OMIM 613254.
Hereditary cancer-predisposing syndrome. Also called: Neoplastic Syndromes, Hereditary; Tumor predisposition; Hereditary Cancer Syndrome; Hereditary neoplastic syndrome. Identifiers: Orphanet 140162, MedGen C0027672, MeSH D009386, MONDO:0015356.
Tuberous sclerosis syndrome (TSC). Also called: Tuberous Sclerosis Complex; Tuberous sclerosis. Identifiers: Orphanet 805, MedGen C0041341, MONDO:0001734.

gnomAD v4.1: 1 of 1,612,998 alleles (0.000062%); no homozygotes.

Submissions (4):

Labcorp Genetics (formerly Invitae), Labcorp
Classification: Benign for Tuberous sclerosis 2. Last evaluated: 2026-01-20. Review status: criteria provided, single submitter. Criteria: Invitae Variant Classification Sherloc (09022015). Collection method: clinical testing. Allele origin: germline.

Ambry Genetics
Classification: Uncertain significance for Hereditary cancer-predisposing syndrome. Last evaluated: 2025-04-22. Review status: criteria provided, single submitter. Criteria: Ambry Variant Classification Scheme 2023. Collection method: clinical testing. Allele origin: germline.
Comment: The p.S1170L variant (also known as c.3509C>T), located in coding exon 29 of the TSC2 gene, results from a C to T substitution at nucleotide position 3509. The serine at codon 1170 is replaced by leucine, an amino acid with dissimilar properties. This amino acid position is not well conserved in available vertebrate species. In addition, the in silico prediction for this alteration is inconclusive. Based on the available evidence, the clinical significance of this variant remains unclear.

All of Us Research Program, National Institutes of Health
Classification: Uncertain significance for Tuberous sclerosis syndrome. Last evaluated: 2023-08-15. Review status: criteria provided, single submitter. Criteria: ACMG Guidelines, 2015. Collection method: clinical testing. Allele origin: germline. Inheritance: Autosomal dominant inheritance. Observed: 1 variant allele, 1 heterozygote.
Comment: This study involves interpretation of variants in research participants for the purpose of population health screening. Participant phenotype was not available at the time of variant classification. Additional details can be found in publication PMID: 35346344, PMCID: PMC8962531

Blueprint Genetics
Classification: Likely benign. Last evaluated: 2022-12-19. Review status: criteria provided, single submitter. Criteria: ACMG Guidelines, 2015. Collection method: clinical testing. Allele origin: germline.

NM_000548.5(TSC2):c.3509C>T (p.Ser1170Leu)

Gene: TSC2 (TSC complex subunit 2; plus strand). Cytogenetic location: 16p13.3.
Variant type: single nucleotide variant.
Coding change: c.3509C>T on transcript NM_000548.5 (MANE Select); coding-DNA position 3509, C replaced by T.
Protein change: p.Ser1170Leu; replaces serine 1170 with leucine.
Molecular consequence: missense variant.
Genome position (GRCh38, 1-based): chr16:2,080,276, C>T. VCF-style: chr16-2080276-C-T. GRCh37 (hg19) VCF-style: chr16-2130277-C-T.
Other names: c.3377C>T, p.Ser1126Leu (NM_001077183.3, NM_001370404.1); c.3509C>T, p.Ser1170Leu (NM_001114382.3); c.3269C>T, p.Ser1090Leu (NM_001318827.2); c.3233C>T, p.Ser1078Leu (NM_001318829.2); c.2777C>T, p.Ser926Leu (NM_001318831.2); c.3410C>T, p.Ser1137Leu (NM_001318832.2); c.3380C>T, p.Ser1127Leu (NM_001363528.2, NM_001370405.1, NM_021055.3); short protein forms S1170L, S1137L, S926L, S1078L, S1090L, S1127L, S1126L.
Identifiers: ClinVar variation 535949 (VCV000535949.15), dbSNP rs45517296, ClinGen allele CA394289260.